The following is an entry in ClinVar:

NM_005529.7(HSPG2):c.6988G>A (p.Gly2330Arg)

Gene: HSPG2 (heparan sulfate proteoglycan 2; minus strand). Cytogenetic location: 1p36.12.
Variant type: single nucleotide variant.
Coding change: c.6988G>A on transcript NM_005529.7 (MANE Select); coding-DNA position 6988, G replaced by A.
Protein change: p.Gly2330Arg; replaces glycine 2330 with arginine.
Molecular consequence: missense variant.
Genome position (GRCh38, 1-based): chr1:21,851,809, C>T on the plus strand (G>A on the coding strand, the complement: HSPG2 is on the minus strand). VCF-style: chr1-21851809-C-T. GRCh37 (hg19) VCF-style: chr1-22178302-C-T.
Other names: c.6991G>A, p.Gly2331Arg (NM_001291860.2); short protein forms G2330R, G2331R.
Identifiers: ClinVar variation 1026956 (VCV001026956.6), dbSNP rs747278781, ClinGen allele CA671360.

ClinVar aggregate classification (germline): Uncertain significance (1 of 4 stars; one submission).

Allele frequency attached by ClinVar (database versions not stated): ExAC 0.00001; gnomAD exomes 0.00001 and 0.00002.
gnomAD v4.1: 8 of 1,613,872 alleles (0.0005%); highest among the groups gnomAD compares: Admixed American, 0.0067%; no homozygotes.

Submission:

Labcorp Genetics (formerly Invitae), Labcorp
Classification: Uncertain significance. Last evaluated: 2020-09-02. Review status: criteria provided, single submitter. Criteria: Invitae Variant Classification Sherloc (09022015). Collection method: clinical testing. Allele origin: germline.
Comment: In summary, the available evidence is currently insufficient to determine the role of this variant in disease. Therefore, it has been classified as a Variant of Uncertain Significance. Algorithms developed to predict the effect of missense changes on protein structure and function are either unavailable or do not agree on the potential impact of this missense change (SIFT: "Deleterious"; PolyPhen-2: "Possibly Damaging"; Align-GVGD: "Class C0"). This variant has not been reported in the literature in individuals with HSPG2-related conditions. This variant is present in population databases (rs747278781, ExAC 0.009%). This sequence change replaces glycine with arginine at codon 2330 of the HSPG2 protein (p.Gly2330Arg). The glycine residue is weakly conserved and there is a moderate physicochemical difference between glycine and arginine.